The following is an entry in ClinVar:

NM_006231.4(POLE):c.3524A>G (p.Asn1175Ser)

Gene: POLE (DNA polymerase epsilon, catalytic subunit; minus strand). Cytogenetic location: 12q24.33.
Variant type: single nucleotide variant.
Coding change: c.3524A>G on transcript NM_006231.4 (MANE Select); coding-DNA position 3524, A replaced by G.
Protein change: p.Asn1175Ser; replaces asparagine 1175 with serine.
Molecular consequence: missense variant.
Genome position (GRCh38, 1-based): chr12:132,657,194, T>C on the plus strand (A>G on the coding strand, the complement: POLE is on the minus strand). VCF-style: chr12-132657194-T-C. GRCh37 (hg19) VCF-style: chr12-133233780-T-C.
Other names: short protein forms N1175S.
Identifiers: ClinVar variation 1732290 (VCV001732290.8), dbSNP rs2541998982, ClinGen allele CA387388535.

ClinVar aggregate classification (germline): Conflicting classifications of pathogenicity. Review status: criteria provided, conflicting classifications (1 of 4 stars). 2 submissions from 2 submitters: Uncertain significance (1); Likely benign (1). Last evaluated 2025-02-07.

Conditions:
Hereditary cancer-predisposing syndrome. Also called: Neoplastic Syndromes, Hereditary; Tumor predisposition; Hereditary Cancer Syndrome; Hereditary neoplastic syndrome. Identifiers: Orphanet 140162, MedGen C0027672, MeSH D009386, MONDO:0015356.

Allele frequency attached by ClinVar (database versions not stated): gnomAD exomes below 0.00001.
gnomAD v4.1: 1 of 1,613,952 alleles (0.000062%); highest among the groups gnomAD compares: Non-Finnish European, 0.000085%; no homozygotes.

Submissions (2):

Ambry Genetics
Classification: Likely benign for Hereditary cancer-predisposing syndrome. Last evaluated: 2025-02-07. Review status: criteria provided, single submitter. Criteria: Ambry Variant Classification Scheme 2023. Collection method: clinical testing. Allele origin: germline.

Labcorp Genetics (formerly Invitae), Labcorp
Classification: Uncertain significance. Last evaluated: 2023-09-15. Review status: criteria provided, single submitter. Criteria: Invitae Variant Classification Sherloc (09022015). Collection method: clinical testing. Allele origin: germline.
Comment: This variant has not been reported in the literature in individuals affected with POLE-related conditions. In summary, the available evidence is currently insufficient to determine the role of this variant in disease. Therefore, it has been classified as a Variant of Uncertain Significance. Advanced modeling of protein sequence and biophysical properties (such as structural, functional, and spatial information, amino acid conservation, physicochemical variation, residue mobility, and thermodynamic stability) performed at Invitae indicates that this missense variant is not expected to disrupt POLE protein function. ClinVar contains an entry for this variant (Variation ID: 1732290). This variant is not present in population databases (gnomAD no frequency). This sequence change replaces asparagine, which is neutral and polar, with serine, which is neutral and polar, at codon 1175 of the POLE protein (p.Asn1175Ser).